The following is an entry in ClinVar:

NM_000392.5(ABCC2):c.627T>A (p.Tyr209Ter)

Gene: ABCC2 (ATP binding cassette subfamily C member 2; plus strand). Cytogenetic location: 10q24.2.
Variant type: single nucleotide variant.
Coding change: c.627T>A on transcript NM_000392.5 (MANE Select); coding-DNA position 627, T replaced by A.
Protein change: p.Tyr209Ter; replaces tyrosine 209 with a stop codon.
Molecular consequence: nonsense.
Genome position (GRCh38, 1-based): chr10:99,794,463, T>A. VCF-style: chr10-99794463-T-A. GRCh37 (hg19) VCF-style: chr10-101554220-T-A.
Other names: short protein forms Y209*.
Identifiers: ClinVar variation 2790446 (VCV002790446.3), dbSNP rs770512658, ClinGen allele CA5642949.

ClinVar aggregate classification (germline): Pathogenic (1 of 4 stars; one submission).

Allele frequency attached by ClinVar (database versions not stated): gnomAD exomes below 0.00001; ExAC 0.00002.
gnomAD v4.1: 5 of 1,613,320 alleles (0.00031%); highest among the groups gnomAD compares: Non-Finnish European, 0.00042%; no homozygotes.

Submission:

Labcorp Genetics (formerly Invitae), Labcorp
Classification: Pathogenic. Last evaluated: 2023-10-18. Review status: criteria provided, single submitter. Criteria: Invitae Variant Classification Sherloc (09022015). Collection method: clinical testing. Allele origin: germline.
Comment: This sequence change creates a premature translational stop signal (p.Tyr209*) in the ABCC2 gene. It is expected to result in an absent or disrupted protein product. Loss-of-function variants in ABCC2 are known to be pathogenic (PMID: 9185779, 16549534, 16952291). This variant is present in population databases (rs770512658, gnomAD 0.002%). This variant has not been reported in the literature in individuals affected with ABCC2-related conditions. Algorithms developed to predict the effect of sequence changes on RNA splicing suggest that this variant may create or strengthen a splice site. For these reasons, this variant has been classified as Pathogenic.

Literature cited by the submitters: PubMed 9185779; PubMed 16549534; PubMed 16952291.